The following is an entry in ClinVar:

ClinVar aggregate classification (germline): Uncertain significance. Review status: criteria provided, multiple submitters, no conflicts (2 of 4 stars). 2 submissions from 2 submitters: Uncertain significance (2). Last evaluated 2026-01-20.

Allele frequency attached by ClinVar (database versions not stated): 1000 Genomes Project 30x 0.00016; TOPMed 0.00015; 1000 Genomes Project 0.00020; gnomAD exomes 0.00003; ExAC 0.00009; gnomAD 0.00018.
gnomAD v4.1: 79 of 1,613,474 alleles (0.0049%); highest among the groups gnomAD compares: African/African-American, 0.055%; no homozygotes.

Submissions (2):

Labcorp Genetics (formerly Invitae), Labcorp
Classification: Uncertain significance. Last evaluated: 2026-01-20. Review status: criteria provided, single submitter. Criteria: Invitae Variant Classification Sherloc (09022015). Collection method: clinical testing. Allele origin: germline.
Comment: This sequence change replaces arginine, which is basic and polar, with glutamine, which is neutral and polar, at codon 314 of the HS6ST1 protein (p.Arg314Gln). This variant is present in population databases (rs549061344, gnomAD 0.05%). This variant has not been reported in the literature in individuals affected with HS6ST1-related conditions. ClinVar contains an entry for this variant (Variation ID: 2910601). Invitae Evidence Modeling of protein sequence and biophysical properties (such as structural, functional, and spatial information, amino acid conservation, physicochemical variation, residue mobility, and thermodynamic stability) indicates that this missense variant is not expected to disrupt HS6ST1 protein function with a negative predictive value of 80%. In summary, the available evidence is currently insufficient to determine the role of this variant in disease. Therefore, it has been classified as a Variant of Uncertain Significance.

Ambry Genetics
Classification: Uncertain significance. Last evaluated: 2024-04-19. Review status: criteria provided, single submitter. Criteria: Ambry Variant Classification Scheme 2023. Collection method: clinical testing. Allele origin: germline.

NM_004807.3(HS6ST1):c.941G>A (p.Arg314Gln)

Gene: HS6ST1 (heparan sulfate 6-O-sulfotransferase 1; minus strand). Cytogenetic location: 2q14.3.
Variant type: single nucleotide variant.
Coding change: c.941G>A on transcript NM_004807.3 (MANE Select); coding-DNA position 941, G replaced by A.
Protein change: p.Arg314Gln; replaces arginine 314 with glutamine.
Molecular consequence: missense variant.
Genome position (GRCh38, 1-based): chr2:128,268,457, C>T on the plus strand (G>A on the coding strand, the complement: HS6ST1 is on the minus strand). VCF-style: chr2-128268457-C-T. GRCh37 (hg19) VCF-style: chr2-129026031-C-T.
Other names: c.941G>A (NM_004807.2); short protein forms R314Q.
Identifiers: ClinVar variation 2910601 (VCV002910601.4), dbSNP rs549061344, ClinGen allele CA1867515.